The following is an entry in ClinVar:

ClinVar aggregate classification (germline): Likely benign. Review status: criteria provided, multiple submitters, no conflicts (2 of 4 stars). 5 submissions from 5 submitters: Likely benign (5). Last evaluated 2026-03-03.

Conditions:
PKP2-related disorder. Also called: PKP2-related condition.
Cardiovascular phenotype. Identifiers: MedGen CN230736.
Arrhythmogenic right ventricular dysplasia 9 (ARVD9). Also called: Arrhythmogenic Right Ventricular Dysplasia/Cardiomyopathy 9; ARRHYTHMOGENIC RIGHT VENTRICULAR DYSPLASIA, FAMILIAL, 9. Identifiers: MedGen C1836906, MONDO:0012180, OMIM 609040.
Arrhythmogenic right ventricular cardiomyopathy (ARVD). Also called: Cardiomyopathy, ARVC; Arrhythmogenic right ventricular dysplasia; Arrhythmogenic cardiomyopathy; Arrhythmogenic Right Ventricular Cardiomyopathy (ARVC). Identifiers: Orphanet 247, MedGen C0349788, MeSH D019571, MONDO:0016587. Disease mechanism: loss of function. Inheritance: Various modes of inheritance.
Cardiomyopathy (CMYO). Also called: Cardiomyopathies. Identifiers: Orphanet 167848, MedGen C0878544, MONDO:0004994, HP:0001638. Inheritance: Various modes of inheritance.

Allele frequency attached by ClinVar (database versions not stated): gnomAD exomes 0.00001 and 0.00004; ExAC 0.00003; gnomAD 0.00008 and 0.00009; TOPMed 0.00011.
gnomAD v4.1: 27 of 1,331,386 alleles (0.002%); highest among the groups gnomAD compares: Middle Eastern, 0.042%; no homozygotes.

Submissions (5):

PreventionGenetics, part of Exact Sciences
Classification: Likely benign for PKP2-related condition. Last evaluated: 2026-03-03. Review status: criteria provided, single submitter. Criteria: ACMG Guidelines, 2015. Collection method: clinical testing. Allele origin: germline.
Comment: This variant is classified as likely benign based on ACMG/AMP sequence variant interpretation guidelines (Richards et al. 2015 PMID: 25741868, with internal and published modifications).

Labcorp Genetics (formerly Invitae), Labcorp
Classification: Likely benign for Arrhythmogenic right ventricular dysplasia 9. Last evaluated: 2026-01-14. Review status: criteria provided, single submitter. Criteria: Invitae Variant Classification Sherloc (09022015). Collection method: clinical testing. Allele origin: germline.

All of Us Research Program, National Institutes of Health
Classification: Likely benign for Arrhythmogenic right ventricular cardiomyopathy. Last evaluated: 2024-01-03. Review status: criteria provided, single submitter. Criteria: ACMG Guidelines, 2015. Collection method: clinical testing. Allele origin: germline. Inheritance: Autosomal dominant inheritance. Observed: 4 variant alleles, 4 heterozygotes.
Comment: This study involves interpretation of variants in research participants for the purpose of population health screening. Participant phenotype was not available at the time of variant classification. Additional details can be found in publication PMID: 35346344, PMCID: PMC8962531

Ambry Genetics
Classification: Likely benign for Cardiovascular phenotype. Last evaluated: 2019-04-10. Review status: criteria provided, single submitter. Criteria: Ambry Variant Classification Scheme 2023. Collection method: clinical testing. Allele origin: germline.

Color Diagnostics, LLC DBA Color Health
Classification: Likely benign for Cardiomyopathy. Last evaluated: 2018-12-31. Review status: criteria provided, single submitter. Criteria: ACMG Guidelines, 2015. Collection method: clinical testing. Allele origin: germline.

NM_001005242.3(PKP2):c.1379-2065G>A

Gene: PKP2 (plakophilin 2; minus strand). Cytogenetic location: 12p11.21.
Variant type: single nucleotide variant.
Coding change: c.1379-2065G>A on transcript NM_001005242.3 (MANE Select); 2065 bases into the intron before coding-DNA position 1379, G replaced by A.
Molecular consequence: intron variant. On other transcripts: synonymous variant (1).
Genome position (GRCh38, 1-based): chr12:32,843,270, C>T on the plus strand (G>A on the coding strand, the complement: PKP2 is on the minus strand). VCF-style: chr12-32843270-C-T. GRCh37 (hg19) VCF-style: chr12-32996204-C-T.
Other names: c.1422G>A, p.Ala474= (NM_004572.4).
Identifiers: ClinVar variation 920734 (VCV000920734.13), dbSNP rs771856087, ClinGen allele CA028239.
Genomic context (GRCh38, chr12:32,843,270, plus strand): 5'-TGACCTCGTGATCCGCCCGCCTTGGCCTCCCAAAGTGCTGGGATTACAGGCGTGAGCCAC[C>T]GCGCCCGGCCAGCCATTCCTACTTCTTAAATTGACTGTATGGTCTGTACAAAGGAAAGAG-3'